The following is an entry in ClinVar:

NM_001142966.3(GREB1L):c.2227del (p.Gln743fs)

Gene: GREB1L (GREB1 like retinoic acid receptor coactivator; plus strand). Cytogenetic location: 18q11.1.
Variant type: Deletion.
Coding change: c.2227del on transcript NM_001142966.3 (MANE Select); coding-DNA position 2227, one base deleted (C; older notation c.2227delC).
Protein change: p.Gln743fs; shifts the reading frame from glutamine 743.
Molecular consequence: frameshift variant.
Genome position (GRCh38, 1-based): chr18:21,473,075, C deleted. VCF-style (leftmost placement, unchanged base first): chr18-21473074-TC-T. GRCh37 (hg19) VCF-style: chr18-19053035-TC-T.
Other names: short protein forms Q743fs.
Identifiers: ClinVar variation 917902 (VCV000917902.1), dbSNP rs2035545895, ClinGen allele CA1139665968.

ClinVar aggregate classification (germline): Pathogenic (1 of 4 stars; one submission).

Conditions:
Renal hypodysplasia/aplasia 3 (RHDA3). Identifiers: MedGen C4540497, MONDO:0024520, OMIM 617805.
Mayer-Rokitansky-Kuster-Hauser syndrome (CAUV). Also called: CONGENITAL ABSENCE OF UTERUS AND VAGINA; MULLERIAN APLASIA/DYSGENESIS; Mayer-Rokitansky-Küster-Hauser syndrome; Rokitansky sequence. Identifiers: Orphanet 247775, Orphanet 3109, MedGen C0431648, MONDO:0017771.

Submission:

Human Genetic Laboratory, University of Liege
Classification: Pathogenic for Renal hypodysplasia/aplasia 3; Mayer Rokitansky Kuster Hauser syndrome type 1. Last evaluated: 2020-02-20. Review status: criteria provided, single submitter. Criteria: ACMG Guidelines, 2015. Collection method: research. Allele origin: inherited, unknown. Inheritance: Autosomal dominant inheritance. Affected: yes and no. Observed: 4 heterozygotes. Clinical features observed: Unilateral renal agenesis (HP:0000122), Multicystic kidney dysplasia (HP:0000003), Aplasia/hypoplasia of the uterus (HP:0008684), Aplasia/Hypoplasia of the vagina (HP:0011026).
Comment: This a a novel variant is in GREB1L, a gene previously associated with renal and uterine malformations in human. The variant causes a frameshit and leads to a stop codon in a gene in which null variants are a known mechanism of pathogenicity for the condition. The variant is absent from the Gnomad population database. The observed mode of inheritance was autosomal dominant with incomplete penetrance.